The following is an entry in ClinVar:

ClinVar aggregate classification (germline): Likely benign. Review status: criteria provided, single submitter (1 of 4 stars). 2 submissions from 2 submitters: Likely benign (1). 1 of the submissions does not count toward it. Last evaluated 2026-01-25.

Conditions:
Joubert syndrome. Also called: JOUBERT-BOLTSHAUSER SYNDROME; Familial aplasia of the vermis. Identifiers: Orphanet 475, MedGen C5979921, MONDO:0018772.
Meckel-Gruber syndrome. Also called: DYSENCEPHALIA SPLANCHNOCYSTICA; GRUBER SYNDROME; Dysencephalia splachnocystica. Identifiers: Orphanet 564, MedGen C0265215, MONDO:0018921.
CC2D2A-related disorder. Also called: CC2D2A-related disorders; CC2D2A-related condition. Identifiers: MedGen CN239313.

Allele frequency attached by ClinVar (database versions not stated): gnomAD exomes below 0.00001; TOPMed below 0.00001; ExAC 0.00001.
gnomAD v4.1: 1 of 1,612,204 alleles (0.000062%); highest among the groups gnomAD compares: Admixed American, 0.0017%; no homozygotes.

Submissions (2):

Labcorp Genetics (formerly Invitae), Labcorp
Classification: Likely benign for Joubert syndrome; Meckel-Gruber syndrome. Last evaluated: 2026-01-25. Review status: criteria provided, single submitter. Criteria: Invitae Variant Classification Sherloc (09022015). Collection method: clinical testing. Allele origin: germline.

PreventionGenetics, part of Exact Sciences
Classification: Likely benign for CC2D2A-related condition. Last evaluated: 2023-05-22. Review status: no assertion criteria provided. Collection method: clinical testing. Allele origin: germline. Not counted in ClinVar's aggregate classification.
Comment: This variant is classified as likely benign based on ACMG/AMP sequence variant interpretation guidelines (Richards et al. 2015 PMID: 25741868, with internal and published modifications).

NM_001378615.1(CC2D2A):c.1764+10C>T

Genes: CC2D2A (coiled-coil and C2 domain containing 2A; plus strand), FBXL5 (F-box and leucine rich repeat protein 5; minus strand). Cytogenetic location: 4p15.32.
Variant type: single nucleotide variant.
Coding change: c.1764+10C>T on transcript NM_001378615.1 (MANE Select); 10 bases into the intron after coding-DNA position 1764, C replaced by T.
Molecular consequence: intron variant.
Genome position (GRCh38, 1-based): chr4:15,537,086, C>T. VCF-style: chr4-15537086-C-T. GRCh37 (hg19) VCF-style: chr4-15538709-C-T.
Other names: c.1764+10C>T (NM_001080522.2); c.1617+10C>T (NM_001378617.1).
Identifiers: ClinVar variation 2149946 (VCV002149946.6), dbSNP rs745366586, ClinGen allele CA2863752.
Genomic context (GRCh38, chr4:15,537,086, plus strand): 5'-GAAGAATACAGAACGTCGTTACAACAGTGGAAGGCCTGGAGGAAAGTGCAAGTGTGTAAA[C>T]AAACACTCAGCCTGGAATAGGGCTGGCCAGGAAGTGTCTGGGAGGGCAGCCTCCAGTACA-3'